The following is an entry in ClinVar:

ClinVar aggregate classification (germline): Benign (1 of 4 stars; one submission).

Allele frequency attached by ClinVar (database versions not stated): 1000 Genomes Project 30x 0.14725; 1000 Genomes Project 0.14976; gnomAD 0.10608 and 0.10679; TOPMed 0.11276.
gnomAD v4.1: 16,160 of 152,172 alleles (11%); highest among the groups gnomAD compares: African/African-American, 21%; 1,223 homozygotes.

Submission:

GeneDx
Classification: Benign. Last evaluated: 2018-06-19. Review status: criteria provided, single submitter. Criteria: GeneDx Variant Classification (06012015). Collection method: clinical testing. Allele origin: germline. Affected: yes.
Comment: This variant is considered likely benign or benign based on one or more of the following criteria: it is a conservative change, it occurs at a poorly conserved position in the protein, it is predicted to be benign by multiple in silico algorithms, and/or has population frequency not consistent with disease.

NM_001852.4(COL9A2):c.847-164G>A

Gene: COL9A2 (collagen type IX alpha 2 chain; minus strand). Cytogenetic location: 1p34.2.
Variant type: single nucleotide variant.
Coding change: c.847-164G>A on transcript NM_001852.4 (MANE Select); 164 bases into the intron before coding-DNA position 847, G replaced by A.
Molecular consequence: intron variant.
Genome position (GRCh38, 1-based): chr1:40,308,409, C>T on the plus strand (G>A on the coding strand, the complement: COL9A2 is on the minus strand). VCF-style: chr1-40308409-C-T. GRCh37 (hg19) VCF-style: chr1-40774081-C-T.
Identifiers: ClinVar variation 677888 (VCV000677888.1), dbSNP rs72944918, ClinGen allele CA10836808.